The following is an entry in ClinVar:

ClinVar aggregate classification (germline): Uncertain significance (1 of 4 stars; one submission).

Conditions:
Congenital sideroblastic anemia-B-cell immunodeficiency-periodic fever-developmental delay syndrome. Also called: Sideroblastic anemia with B-cell immunodeficiency, periodic fevers, and developmental delay. Identifiers: Orphanet 369861, MedGen C4015172, MONDO:0014487, OMIM 616084.

Allele frequency attached by ClinVar (database versions not stated): TOPMed below 0.00001; ExAC 0.00001; gnomAD 0.00001; gnomAD exomes 0.00001 and 0.00002.
gnomAD v4.1: 10 of 1,613,696 alleles (0.00062%); highest among the groups gnomAD compares: East Asian, 0.011%; no homozygotes.

Submission:

Labcorp Genetics (formerly Invitae), Labcorp
Classification: Uncertain significance for Congenital sideroblastic anemia-B-cell immunodeficiency-periodic fever-developmental delay syndrome. Last evaluated: 2024-02-24. Review status: criteria provided, single submitter. Criteria: Invitae Variant Classification Sherloc (09022015). Collection method: clinical testing. Allele origin: germline.
Comment: This sequence change replaces arginine, which is basic and polar, with glutamine, which is neutral and polar, at codon 412 of the TRNT1 protein (p.Arg412Gln). This variant is present in population databases (rs761145683, gnomAD 0.01%). This variant has not been reported in the literature in individuals affected with TRNT1-related conditions. ClinVar contains an entry for this variant (Variation ID: 1443253). Advanced modeling of protein sequence and biophysical properties (such as structural, functional, and spatial information, amino acid conservation, physicochemical variation, residue mobility, and thermodynamic stability) has been performed at Invitae for this missense variant, however the output from this modeling did not meet the statistical confidence thresholds required to predict the impact of this variant on TRNT1 protein function. In summary, the available evidence is currently insufficient to determine the role of this variant in disease. Therefore, it has been classified as a Variant of Uncertain Significance.

NM_182916.3(TRNT1):c.1235G>A (p.Arg412Gln)

Gene: TRNT1 (tRNA nucleotidyl transferase 1; plus strand). Cytogenetic location: 3p26.2.
Variant type: single nucleotide variant.
Coding change: c.1235G>A on transcript NM_182916.3 (MANE Select); coding-DNA position 1235, G replaced by A.
Protein change: p.Arg412Gln; replaces arginine 412 with glutamine.
Molecular consequence: missense variant. On other transcripts: non-coding transcript variant (8).
Genome position (GRCh38, 1-based): chr3:3,148,084, G>A. VCF-style: chr3-3148084-G-A. GRCh37 (hg19) VCF-style: chr3-3189768-G-A.
Other names: c.1175G>A, p.Arg392Gln (NM_001302946.2); c.1235G>A, p.Arg412Gln (NM_001367321.1, NM_001367322.1, NM_001367323.1); short protein forms R412Q, R392Q.
Identifiers: ClinVar variation 1443253 (VCV001443253.7), dbSNP rs761145683, ClinGen allele CA2228920.
Genomic context (GRCh38, chr3:3,148,084, plus strand): 5'-ACATCAGAAAAGTGGGCATTTCTTCAGGAAAAGAAATTGGGGCTCTATTACAACAGTTGC[G>A]AGAACAGTGGAAAAAAAGTGGTTACCAAATGGAAAAAGATGAACTTCTGAGTTACATAAA-3'
Protein context (NP_886552.3, residues 402-422): KEIGALLQQL[Arg412Gln]EQWKKSGYQM